The following is an entry in ClinVar:

ClinVar aggregate classification (germline): Pathogenic (1 of 4 stars; one submission).

Conditions:
Thrombocytopenia, anemia, and myelofibrosis (THAMY). Identifiers: MedGen C4479504, MONDO:0044316, OMIM 617441.

Allele frequency attached by ClinVar (database versions not stated): gnomAD 0.00001; TOPMed 0.00004.
gnomAD v4.1: 3 of 1,612,868 alleles (0.00019%); highest among the groups gnomAD compares: African/African-American, 0.0013%; no homozygotes.

Submission:

Women's Health and Genetics/Laboratory Corporation of America, LabCorp
Classification: Pathogenic for Thrombocytopenia, anemia, and myelofibrosis. Last evaluated: 2024-04-09. Review status: criteria provided, single submitter. Criteria: LabCorp Variant Classification Summary - May 2015. Collection method: clinical testing. Allele origin: germline.
Comment: Variant summary: MPIG6B c.489G>A (p.Trp163X) results in a premature termination codon, predicted to cause a truncation of the encoded protein or absence of the protein due to nonsense mediated decay, which are commonly known mechanisms for disease. The frequency data for this variant in gnomAD v.2.1 is considered unreliable, as metrics indicate poor data quality at this position. However, it was found at a frequency of 1.86e-6 in gnomAD v4.0. To our knowledge, no occurrence of c.489G>A in individuals affected with Thrombocytopenia, Anemia, And Myelofibrosis and no experimental evidence demonstrating its impact on protein function have been reported. No submitters have cited clinical-significance assessments for this variant to ClinVar. Based on the evidence outlined above, the variant was classified as pathogenic.

NM_138272.3(MPIG6B):c.489G>A (p.Trp163Ter)

Gene: MPIG6B (megakaryocyte and platelet inhibitory receptor G6b; plus strand). Cytogenetic location: 6p21.33.
Variant type: single nucleotide variant.
Coding change: c.489G>A on transcript NM_138272.3 (MANE Select); coding-DNA position 489, G replaced by A.
Protein change: p.Trp163Ter; replaces tryptophan 163 with a stop codon.
Molecular consequence: nonsense. On other transcripts: intron variant (3).
Genome position (GRCh38, 1-based): chr6:31,724,221, G>A. VCF-style: chr6-31724221-G-A. GRCh37 (hg19) VCF-style: chr6-31691998-G-A.
Other names: c.489G>A, p.Trp163Ter (NM_025260.4, NM_138277.3); c.409+235G>A (NM_138273.3, NM_138274.3, NM_138275.3); short protein forms W163*.
Identifiers: ClinVar variation 3251400 (VCV003251400.1), dbSNP rs935669552.
Genomic context (GRCh38, chr6:31,724,221, plus strand): 5'-CCTGATCCCGCTGCTGGGCGCTGGGTTGGTGCTCGGACTGGGAGCTTTGGGCCTGGTCTG[G>A]TGGCTGCACAGGTGAGCAGGAGGGACCCGGCCTCGTTAAATGGGGAGTGACCAGAGGTGG-3'